The following is an entry in ClinVar:

ClinVar aggregate classification (germline): Uncertain significance (1 of 4 stars; one submission).

Allele frequency attached by ClinVar (database versions not stated): gnomAD 0.00001; ExAC 0.00002; TOPMed 0.00003.
gnomAD v4.1: 61 of 1,612,594 alleles (0.0038%); highest among the groups gnomAD compares: East Asian, 0.018%; no homozygotes.

Submission:

Labcorp Genetics (formerly Invitae), Labcorp
Classification: Uncertain significance. Last evaluated: 2022-06-10. Review status: criteria provided, single submitter. Criteria: Invitae Variant Classification Sherloc (09022015). Collection method: clinical testing. Allele origin: germline.
Comment: This sequence change replaces arginine, which is basic and polar, with tryptophan, which is neutral and slightly polar, at codon 32 of the SLC6A19 protein (p.Arg32Trp). This variant is present in population databases (rs762242971, gnomAD 0.006%). This variant has not been reported in the literature in individuals affected with SLC6A19-related conditions. Algorithms developed to predict the effect of missense changes on protein structure and function are either unavailable or do not agree on the potential impact of this missense change (SIFT: "Deleterious"; PolyPhen-2: "Probably Damaging"; Align-GVGD: "Class C0"). In summary, the available evidence is currently insufficient to determine the role of this variant in disease. Therefore, it has been classified as a Variant of Uncertain Significance.

NM_001003841.3(SLC6A19):c.94C>T (p.Arg32Trp)

Gene: SLC6A19 (solute carrier family 6 member 19; plus strand). Cytogenetic location: 5p15.33.
Variant type: single nucleotide variant.
Coding change: c.94C>T on transcript NM_001003841.3 (MANE Select); coding-DNA position 94, C replaced by T.
Protein change: p.Arg32Trp; replaces arginine 32 with tryptophan.
Molecular consequence: missense variant.
Genome position (GRCh38, 1-based): chr5:1,201,744, C>T. VCF-style: chr5-1201744-C-T. GRCh37 (hg19) VCF-style: chr5-1201859-C-T.
Other names: short protein forms R32W.
Identifiers: ClinVar variation 2186510 (VCV002186510.1), dbSNP rs762242971, ClinGen allele CA3182559.